The following is an entry in ClinVar:

ClinVar aggregate classification (germline): Conflicting classifications of pathogenicity. Review status: criteria provided, conflicting classifications (1 of 4 stars). 11 submissions from 11 submitters: Uncertain significance (8); Likely benign (3). Last evaluated 2025-11-10.

Conditions:
Familial cancer of breast. Also called: Hereditary breast cancer; hereditary breast carcinoma; BREAST CANCER, FAMILIAL. Identifiers: Orphanet 227535, MedGen C0346153, MONDO:0016419, OMIM 114480. Disease mechanism: loss of function.
Breast-ovarian cancer, familial, susceptibility to, 2 (BROVCA2). Also called: BRCA2 Hereditary Breast and Ovarian Cancer. Identifiers: Orphanet 145, MedGen C2675520, MONDO:0012933, OMIM 612555. Disease mechanism: loss of function.
Wilms tumor 1 (WT1). Also called: Wilms tumor, somatic. Identifiers: Orphanet 654, MedGen CN033288, MONDO:0008679, OMIM 194070.
Pancreatic cancer, susceptibility to, 2. Identifiers: Orphanet 1333, MedGen C3150546, MONDO:0013235, OMIM 613347.
Glioma susceptibility 3 (GLM3). Also called: Glioblastoma 3. Identifiers: Orphanet 182067, Orphanet 360, MedGen C2751641, MONDO:0013093, OMIM 613029.
Familial prostate cancer. Also called: Hereditary Prostate Cancer. Identifiers: MedGen C2931456, MONDO:0700275, OMIM 176807.
Fanconi anemia complementation group D1. Also called: BRCA2-Related Fanconi Anemia. Identifiers: Orphanet 319462, MedGen C1838457, MONDO:0011584, OMIM 605724.
Medulloblastoma (MDB). Also called: MEDULLOBLASTOMA PREDISPOSITION SYNDROME; Medulloblastoma, somatic. Identifiers: Orphanet 616, MedGen C0025149, MeSH D008527, MONDO:0007959, OMIM 155255, HP:0002885.
Hereditary cancer-predisposing syndrome. Also called: Hereditary Cancer Syndrome; Neoplastic Syndromes, Hereditary; Tumor predisposition; Hereditary neoplastic syndrome. Identifiers: Orphanet 140162, MedGen C0027672, MeSH D009386, MONDO:0015356.
Hereditary breast ovarian cancer syndrome. Also called: Hereditary breast and ovarian cancer; Hereditary breast and ovarian cancer syndrome (HBOC); Hereditary breast and/or ovarian cancer syndrome; Hereditary breast and ovarian cancer syndrome; Breast and ovarian cancer; BRCA1- and BRCA2-Associated Hereditary Breast and Ovarian Cancer. Identifiers: Orphanet 145, MedGen C0677776, MeSH D061325, MONDO:0003582. Disease mechanism: loss of function.

Allele frequency attached by ClinVar (database versions not stated): gnomAD exomes below 0.00001.
gnomAD v4.1: 5 of 1,583,484 alleles (0.00032%); highest among the groups gnomAD compares: Middle Eastern, 0.017%; no homozygotes.

Submissions (11):

Labcorp Genetics (formerly Invitae), Labcorp
Classification: Likely benign for Hereditary breast ovarian cancer syndrome. Last evaluated: 2025-11-10. Review status: criteria provided, single submitter. Criteria: Invitae Variant Classification Sherloc (09022015). Collection method: clinical testing. Allele origin: germline.

Ambry Genetics
Classification: Uncertain significance for Hereditary cancer-predisposing syndrome. Last evaluated: 2025-07-31. Review status: criteria provided, single submitter. Criteria: Ambry Variant Classification Scheme 2023. Collection method: clinical testing. Allele origin: germline.

GeneDx
Classification: Uncertain significance. Last evaluated: 2025-05-04. Review status: criteria provided, single submitter. Criteria: GeneDx Variant Classification Process June 2021. Collection method: clinical testing. Allele origin: germline. Affected: yes.
Comment: In silico analysis supports that this missense variant has a deleterious effect on protein structure/function; Observed in individuals with personal or family history of breast, ovarian and/or prostate cancer (PMID: 32438681, 35402282, 35534704, 37842866); Not observed at significant frequency in large population cohorts (gnomAD); Also known as 5354A>C; This variant is associated with the following publications: (PMID: 32438681, 35944511, 35402282, 32377563, 29884841, 31853058, 37842866, 35534704, ElbiadO2024[Review])

Blueprint Genetics
Classification: Likely benign. Last evaluated: 2024-11-20. Review status: criteria provided, single submitter. Criteria: ACMG Guidelines, 2015. Collection method: clinical testing. Allele origin: germline.

Color Diagnostics, LLC DBA Color Health
Classification: Uncertain significance for Hereditary cancer-predisposing syndrome. Last evaluated: 2024-04-29. Review status: criteria provided, single submitter. Criteria: ACMG Guidelines, 2015. Collection method: clinical testing. Allele origin: germline.
Comment: This missense variant replaces aspartic acid with alanine at codon 1709 of the BRCA2 protein. Computational prediction suggests that this variant may not impact protein structure and function. To our knowledge, functional studies have not been reported for this variant. This variant has been reported in three individuals affected with breast, ovarian, or prostate cancer (PMID: 32438681, 35402282, 37842866) and in one unaffected individual (PMID: 35944511). This variant has been identified in 1/226644 chromosomes in the general population by the Genome Aggregation Database (gnomAD). The available evidence is insufficient to determine the role of this variant in disease conclusively. Therefore, this variant is classified as a Variant of Uncertain Significance.

Fulgent Genetics
Classification: Uncertain significance for Familial cancer of breast; Medulloblastoma; Familial prostate cancer; Wilms tumor 1; Fanconi anemia complementation group D1; Breast-ovarian cancer, familial, susceptibility to, 2; Glioma susceptibility 3; Pancreatic cancer, susceptibility to, 2. Last evaluated: 2024-04-05. Review status: criteria provided, single submitter. Criteria: ACMG Guidelines, 2015. Collection method: clinical testing. Allele origin: germline.

Quest Diagnostics Nichols Institute San Juan Capistrano
Classification: Uncertain significance. Last evaluated: 2024-03-21. Review status: criteria provided, single submitter. Criteria: Quest Diagnostics criteria. Collection method: clinical testing. Allele origin: unknown.
Comment: The BRCA2 c.5126A>C (p.Asp1709Ala) variant has been reported in the published literature in individuals with breast and/or ovarian cancer (PMIDs: 35402282 (2022), 32438681 (2020)). Additionally, this variant has been reported to be located in a region of the BRCA2 gene that is tolerant to missense sequence changes (PMID: 31911673 (2020)). The frequency of this variant in the general population, 0.0000044 (1/226644 chromosomes (Genome Aggregation Database)), is uninformative in the assessment of its pathogenicity. Analysis of this variant using bioinformatics tools for the prediction of the effect of amino acid changes on protein structure and function yielded predictions that this variant is benign. Based on the available information, we are unable to determine the clinical significance of this variant.

All of Us Research Program, National Institutes of Health
Classification: Uncertain significance for Breast-ovarian cancer, familial, susceptibility to, 2. Last evaluated: 2023-06-28. Review status: criteria provided, single submitter. Criteria: ACMG Guidelines, 2015. Collection method: clinical testing. Allele origin: germline. Inheritance: Autosomal dominant inheritance. Observed: 1 variant allele, 1 heterozygote.
Comment: This missense variant replaces aspartic acid with alanine at codon 1709 of the BRCA2 protein. Computational prediction suggests that this variant may not impact protein structure and function (internally defined REVEL score threshold <= 0.5, PMID: 27666373). To our knowledge, functional studies have not been reported for this variant. This variant has been reported in an individual affected with ovarian cancer (PMID: 32438681). This variant has been identified in 1/226644 chromosomes in the general population by the Genome Aggregation Database (gnomAD). The available evidence is insufficient to determine the role of this variant in disease conclusively. Therefore, this variant is classified as a Variant of Uncertain Significance.

This study involves interpretation of variants in research participants for the purpose of population health screening. Participant phenotype was not available at the time of variant classification. Additional details can be found in publication PMID: 35346344, PMCID: PMC8962531

University of Washington Department of Laboratory Medicine, University of Washington
Classification: Likely benign for Hereditary cancer-predisposing syndrome. Last evaluated: 2023-03-23. Review status: criteria provided, single submitter. Criteria: Dines et al. (Genet Med. 2020). Collection method: curation. Allele origin: germline.
Comment: Missense variant in a coldspot region where missense variants are very unlikely to be pathogenic (PMID:31911673).

BRCA2 exon 11 coldspot. Reclassification based on statistical prior probability.

Sema4
Classification: Uncertain significance for Hereditary cancer-predisposing syndrome. Last evaluated: 2021-09-16. Review status: criteria provided, single submitter. Criteria: Sema4 Curation Guidelines. Collection method: curation. Allele origin: germline.
Comment: The BRCA2 c.5126A>C (p.D1709A) variant has been reported in at least one individual with ovarian cancer (PMID: 32438681). This variant was observed in 1/106284 chromosomes in the Non-Finnish European population according to the Genome Aggregation Database (PMID: 32461654). The variant has been reported in ClinVar (Variation ID 186288). Functional studies have not been performed, and in silico predictions of the variant's effect on protein function are inconclusive. The evidence is insufficient to meet ACMG/AMP criteria for classifying the variant as benign or pathogenic. Thus, the clinical significance of this variant is currently uncertain.

Revvity Omics, Revvity
Classification: Uncertain significance. Last evaluated: 2021-04-29. Review status: criteria provided, single submitter. Criteria: ACMG Guidelines, 2015. Collection method: clinical testing. Allele origin: germline.

Literature cited by the submitters: PubMed 32438681 (cited by 4 submitters); PubMed 35402282 (cited by Color Diagnostics, LLC DBA Color Health and Quest Diagnostics Nichols Institute San Juan Capistrano); PubMed 35944511 (cited by Color Diagnostics, LLC DBA Color Health); PubMed 37842866 (cited by Color Diagnostics, LLC DBA Color Health); PubMed 31911673 (cited by Quest Diagnostics Nichols Institute San Juan Capistrano).

NM_000059.4(BRCA2):c.5126A>C (p.Asp1709Ala)

Gene: BRCA2 (BRCA2 DNA repair associated; plus strand). Cytogenetic location: 13q13.1.
Variant type: single nucleotide variant.
Coding change: c.5126A>C on transcript NM_000059.4 (MANE Select); coding-DNA position 5126, A replaced by C.
Protein change: p.Asp1709Ala; replaces aspartic acid 1709 with alanine.
Molecular consequence: missense variant.
Genome position (GRCh38, 1-based): chr13:32,339,481, A>C. VCF-style: chr13-32339481-A-C. GRCh37 (hg19) VCF-style: chr13-32913618-A-C.
Other names: short protein forms D1709A.
Identifiers: ClinVar variation 186288 (VCV000186288.40), dbSNP rs786202836, ClinGen allele CA021338.